The following is an entry in ClinVar:

NM_006623.4(PHGDH):c.391G>A (p.Gly131Ser)

Gene: PHGDH (phosphoglycerate dehydrogenase; plus strand). Cytogenetic location: 1p12.
Variant type: single nucleotide variant.
Coding change: c.391G>A on transcript NM_006623.4 (MANE Select); coding-DNA position 391, G replaced by A.
Protein change: p.Gly131Ser; replaces glycine 131 with serine.
Molecular consequence: missense variant.
Genome position (GRCh38, 1-based): chr1:119,726,885, G>A. VCF-style: chr1-119726885-G-A. GRCh37 (hg19) VCF-style: chr1-120269508-G-A.
Other names: c.391G>A (NM_006623.3); short protein forms G131S.
Identifiers: ClinVar variation 2160748 (VCV002160748.3), dbSNP rs1013027843, ClinGen allele CA30250118.

ClinVar aggregate classification (germline): Uncertain significance. Review status: criteria provided, multiple submitters, no conflicts (2 of 4 stars). 4 submissions from 3 submitters: Uncertain significance (4). Last evaluated 2023-04-11.

Conditions:
Inborn genetic diseases. Identifiers: MedGen C0950123, MeSH D030342.
Neu-Laxova syndrome 1 (NLS1). Identifiers: Orphanet 2671, Orphanet 583607, MedGen C4551478, MONDO:0009736, OMIM 256520. Disease mechanism: loss of function.
PHGDH deficiency. Identifiers: Orphanet 79351, MedGen C1866174, MONDO:0011152, OMIM 601815.

Allele frequency attached by ClinVar (database versions not stated): gnomAD 0.00001; TOPMed 0.00002.
gnomAD v4.1: 11 of 1,614,066 alleles (0.00068%); highest among the groups gnomAD compares: Admixed American, 0.0067%; no homozygotes.

Submissions (4):

Genome-Nilou Lab
Classification: Uncertain significance for Neu-Laxova syndrome 1. Last evaluated: 2023-04-11. Review status: criteria provided, single submitter. Criteria: ACMG Guidelines, 2015. Collection method: clinical testing. Allele origin: germline. Affected: no.

Genome-Nilou Lab
Classification: Uncertain significance for PHGDH deficiency. Last evaluated: 2023-04-11. Review status: criteria provided, single submitter. Criteria: ACMG Guidelines, 2015. Collection method: clinical testing. Allele origin: germline. Affected: no.

Labcorp Genetics (formerly Invitae), Labcorp
Classification: Uncertain significance for PHGDH deficiency. Last evaluated: 2022-08-09. Review status: criteria provided, single submitter. Criteria: Invitae Variant Classification Sherloc (09022015). Collection method: clinical testing. Allele origin: germline.
Comment: This sequence change replaces glycine, which is neutral and non-polar, with serine, which is neutral and polar, at codon 131 of the PHGDH protein (p.Gly131Ser). This variant is present in population databases (no rsID available, gnomAD 0.008%). This variant has not been reported in the literature in individuals affected with PHGDH-related conditions. Algorithms developed to predict the effect of missense changes on protein structure and function are either unavailable or do not agree on the potential impact of this missense change (SIFT: "Deleterious"; PolyPhen-2: "Probably Damaging"; Align-GVGD: "Class C0"). In summary, the available evidence is currently insufficient to determine the role of this variant in disease. Therefore, it has been classified as a Variant of Uncertain Significance.

Ambry Genetics
Classification: Uncertain significance for Inborn genetic diseases. Last evaluated: 2021-08-10. Review status: criteria provided, single submitter. Criteria: Ambry Variant Classification Scheme 2023. Collection method: clinical testing. Allele origin: germline.